The following is an entry in ClinVar:

NM_006030.4(CACNA2D2):c.2234C>G (p.Thr745Arg)

Genes: CACNA2D2 (calcium voltage-gated channel auxiliary subunit alpha2delta 2; minus strand), LOC101928965 (uncharacterized LOC101928965; plus strand), LOC127898564 (CYB561D2-LOC101928965; plus strand). Cytogenetic location: 3p21.31.
Variant type: single nucleotide variant.
Coding change: c.2234C>G on transcript NM_006030.4 (MANE Select); coding-DNA position 2234, C replaced by G.
Protein change: p.Thr745Arg; replaces threonine 745 with arginine.
Molecular consequence: missense variant. On other transcripts: non-coding transcript variant (3).
Genome position (GRCh38, 1-based): chr3:50,367,812, G>C on the plus strand (C>G on the coding strand, the complement: CACNA2D2 is on the minus strand). VCF-style: chr3-50367812-G-C. GRCh37 (hg19) VCF-style: chr3-50405243-G-C.
Other names: c.2234C>G, p.Thr745Arg (NM_001005505.3); c.2255C>G, p.Thr752Arg (NM_001174051.3); c.2027C>G, p.Thr676Arg (NM_001291101.1); short protein forms T676R, T745R, T752R.
Identifiers: ClinVar variation 1369391 (VCV001369391.9), dbSNP rs745793280, ClinGen allele CA2418560.

ClinVar aggregate classification (germline): Uncertain significance (1 of 4 stars; one submission).

Conditions:
Early-infantile DEE. Also called: Early infantile epileptic encephalopathy with suppression bursts; Early infantile epileptic encephalopathy; Ohtahara syndrome. Identifiers: Orphanet 1934, MedGen C0393706, MONDO:0800491.

gnomAD v4.1: 3 of 1,608,482 alleles (0.00019%); highest among the groups gnomAD compares: East Asian, 0.0045%; no homozygotes.

Submission:

Labcorp Genetics (formerly Invitae), Labcorp
Classification: Uncertain significance for Early-infantile DEE. Last evaluated: 2020-12-03. Review status: criteria provided, single submitter. Criteria: Invitae Variant Classification Sherloc (09022015). Collection method: clinical testing. Allele origin: germline.
Comment: This sequence change replaces threonine with arginine at codon 745 of the CACNA2D2 protein (p.Thr745Arg). The threonine residue is highly conserved and there is a moderate physicochemical difference between threonine and arginine. In summary, the available evidence is currently insufficient to determine the role of this variant in disease. Therefore, it has been classified as a Variant of Uncertain Significance. Algorithms developed to predict the effect of sequence changes on RNA splicing suggest that this variant may create or strengthen a splice site, but this prediction has not been confirmed by published transcriptional studies. Algorithms developed to predict the effect of missense changes on protein structure and function are either unavailable or do not agree on the potential impact of this missense change (SIFT: "Tolerated"; PolyPhen-2: "Probably Damaging"; Align-GVGD: "Class C0"). This variant has not been reported in the literature in individuals with CACNA2D2-related conditions. This variant is present in population databases (rs745793280, ExAC 0.04%).